The following is an entry in ClinVar:

ClinVar aggregate classification (germline): Pathogenic (1 of 4 stars; one submission).

Conditions:
Osteogenesis imperfecta type I (OI1). Also called: Lobstein disease; Classic Non-deforming Osteogenesis Imperfecta with Blue Sclerae; OI, TYPE I; OSTEOGENESIS IMPERFECTA TARDA; OSTEOGENESIS IMPERFECTA WITH BLUE SCLERAE; Osteogenesis imperfecta type 1. Identifiers: Orphanet 216796, Orphanet 666, MedGen C0023931, MONDO:0008146, OMIM 166200. Disease mechanism: loss of function.

Submission:

Labcorp Genetics (formerly Invitae), Labcorp
Classification: Pathogenic for Osteogenesis imperfecta type I. Last evaluated: 2021-01-29. Review status: criteria provided, single submitter. Criteria: Invitae Variant Classification Sherloc (09022015). Collection method: clinical testing. Allele origin: germline.
Comment: This sequence change affects an acceptor splice site in intron 4 of the COL1A1 gene. It is expected to disrupt RNA splicing. Variants that disrupt the donor or acceptor splice site typically lead to a loss of protein function (PMID: 16199547), and loss-of-function variants in COL1A1 are known to be pathogenic (PMID: 7942841, 9295084, 9443882). The frequency data for this variant in the population databases is considered unreliable, as metrics indicate insufficient coverage at this position in the ExAC database. Disruption of this splice site has been observed in individual(s) with osteogenesis imperfecta (PMID: 21667357). Algorithms developed to predict the effect of sequence changes on RNA splicing suggest that this variant may disrupt the consensus splice site, but this prediction has not been confirmed by published transcriptional studies. For these reasons, this variant has been classified as Pathogenic.

Literature cited by the submitters: PubMed 16199547; PubMed 7942841; PubMed 9295084; PubMed 9443882; PubMed 21667357.

NM_000088.4(COL1A1):c.370-1G>T

Gene: COL1A1 (collagen type I alpha 1 chain; minus strand). Cytogenetic location: 17q21.33.
Variant type: single nucleotide variant.
Coding change: c.370-1G>T on transcript NM_000088.4 (MANE Select); the canonical splice acceptor site of the intron before coding-DNA position 370, G replaced by T.
Molecular consequence: splice acceptor variant.
Genome position (GRCh38, 1-based): chr17:50,199,328, C>A on the plus strand (G>T on the coding strand, the complement: COL1A1 is on the minus strand). VCF-style: chr17-50199328-C-A. GRCh37 (hg19) VCF-style: chr17-48276689-C-A.
Identifiers: ClinVar variation 1400403 (VCV001400403.8), dbSNP rs2144591532, ClinGen allele CA400227570.
Genomic context (GRCh38, chr17:50,199,328, plus strand): 5'-GGGTCCGGGAAGTCCAGGCTGTCCAGGGATGCCATCTCGGCCAGGGGGGCCTGCGGGTCC[C>A]TGCAGGGGGAGAGGGCGGGGCCGGGGTGAGCGTGGGGCCGAGAGCCATGCCCACCTGCAG-3'